The following is an entry in ClinVar:

NM_001849.4(COL6A2):c.1478G>A (p.Gly493Asp)

Gene: COL6A2 (collagen type VI alpha 2 chain; plus strand). Cytogenetic location: 21q22.3.
Variant type: single nucleotide variant.
Coding change: c.1478G>A on transcript NM_001849.4 (MANE Select); coding-DNA position 1478, G replaced by A.
Protein change: p.Gly493Asp; replaces glycine 493 with aspartic acid.
Molecular consequence: missense variant.
Genome position (GRCh38, 1-based): chr21:46,121,575, G>A. VCF-style: chr21-46121575-G-A. GRCh37 (hg19) VCF-style: chr21-47541489-G-A.
Other names: c.1478G>A, p.Gly493Asp (NM_058174.3, NM_058175.3); short protein forms G493D.
Identifiers: ClinVar variation 3268797 (VCV003268797.2).

ClinVar aggregate classification (germline): Uncertain significance (1 of 4 stars; one submission).

Conditions:
Inborn genetic diseases. Identifiers: MedGen C0950123, MeSH D030342.

Submission:

Ambry Genetics
Classification: Uncertain significance for Inborn genetic diseases. Last evaluated: 2024-07-02. Review status: criteria provided, single submitter. Criteria: Ambry Variant Classification Scheme 2023. Collection method: clinical testing. Allele origin: germline.
Comment: The c.1478G>A (p.G493D) alteration is located in exon 18 (coding exon 17) of the COL6A2 gene. This alteration results from a G to A substitution at nucleotide position 1478, causing the glycine (G) at amino acid position 493 to be replaced by an aspartic acid (D). This variant was not reported in population-based cohorts in the Genome Aggregation Database (gnomAD). Another alteration at the same codon, c.1477G>A (p.G493S), has been detected in multiple individuals, some with features consistent with COL6A2-related myopathy, but clinical details are limited (external communication). This amino acid position is highly conserved in available vertebrate species. The p.G493D amino acid is located within the triple-helical domain of the collagen alpha-2(VI) chain, and affects one of the highly conserved glycine residues in the Gly-X-Y motif that make up this domain (Ramshaw, 1998). This alteration is predicted to be deleterious by in silico analysis. Based on insufficient or conflicting evidence, the clinical significance of this alteration remains unclear.

Literature cited by the submitters: PubMed 9724608.